The following is an entry in ClinVar:

NM_181426.2(CCDC39):c.2266-1G>A

Genes: CCDC39 (coiled-coil domain 39 molecular ruler complex subunit; minus strand), TTC14 (tetratricopeptide repeat domain 14; plus strand). Cytogenetic location: 3q26.33.
Variant type: single nucleotide variant.
Coding change: c.2266-1G>A on transcript NM_181426.2 (MANE Select); the canonical splice acceptor site of the intron before coding-DNA position 2266, G replaced by A.
Molecular consequence: splice acceptor variant. On other transcripts: intron variant (1).
Genome position (GRCh38, 1-based): chr3:180,616,967, C>T on the plus strand (G>A on the coding strand, the complement: CCDC39 is on the minus strand). VCF-style: chr3-180616967-C-T. GRCh37 (hg19) VCF-style: chr3-180334755-C-T.
Other names: c.1775-413C>T (NM_001288582.2).
Identifiers: ClinVar variation 2915139 (VCV002915139.3), dbSNP rs2473778214, ClinGen allele CA355305821.

ClinVar aggregate classification (germline): Likely pathogenic (1 of 4 stars; one submission).

Conditions:
Primary ciliary dyskinesia. Also called: Ciliary dyskinesia. Identifiers: Orphanet 244, MedGen C0008780, MONDO:0016575, HP:0012265.

gnomAD v4.1: 2 of 1,321,908 alleles (0.00015%); highest among the groups gnomAD compares: Non-Finnish European, 0.00021%; no homozygotes.

Submission:

Labcorp Genetics (formerly Invitae), Labcorp
Classification: Likely pathogenic for Primary ciliary dyskinesia. Last evaluated: 2022-12-29. Review status: criteria provided, single submitter. Criteria: Invitae Variant Classification Sherloc (09022015). Collection method: clinical testing. Allele origin: germline.
Comment: This variant is not present in population databases (gnomAD no frequency). This variant has not been reported in the literature in individuals affected with CCDC39-related conditions. Algorithms developed to predict the effect of sequence changes on RNA splicing suggest that this variant may disrupt the consensus splice site. In summary, the currently available evidence indicates that the variant is pathogenic, but additional data are needed to prove that conclusively. Therefore, this variant has been classified as Likely Pathogenic. This sequence change affects an acceptor splice site in intron 16 of the CCDC39 gene. It is expected to disrupt RNA splicing. Variants that disrupt the donor or acceptor splice site typically lead to a loss of protein function (PMID: 16199547), and loss-of-function variants in CCDC39 are known to be pathogenic (PMID: 21131972, 23255504).

Literature cited by the submitters: PubMed 16199547; PubMed 21131972; PubMed 23255504.